The following is an entry in ClinVar:

ClinVar aggregate classification (germline): Uncertain significance (1 of 4 stars; one submission).

Conditions:
Hereditary cancer-predisposing syndrome. Also called: Hereditary Cancer Syndrome; Hereditary neoplastic syndrome; Neoplastic Syndromes, Hereditary; Tumor predisposition. Identifiers: Orphanet 140162, MedGen C0027672, MeSH D009386, MONDO:0015356.

Submission:

Ambry Genetics
Classification: Uncertain significance for Hereditary cancer-predisposing syndrome. Last evaluated: 2024-10-11. Review status: criteria provided, single submitter. Criteria: Ambry Variant Classification Scheme 2023. Collection method: clinical testing. Allele origin: germline.
Comment: The p.A152G variant (also known as c.455C>G), located in coding exon 4 of the EPCAM gene, results from a C to G substitution at nucleotide position 455. The alanine at codon 152 is replaced by glycine, an amino acid with similar properties. This amino acid position is conserved. In addition, this alteration is predicted to be tolerated by in silico analysis. Since supporting evidence is limited at this time, the clinical significance of this alteration remains unclear.

NM_002354.3(EPCAM):c.455C>G (p.Ala152Gly)

Gene: EPCAM (epithelial cell adhesion molecule; plus strand). Cytogenetic location: 2p21.
Variant type: single nucleotide variant.
Coding change: c.455C>G on transcript NM_002354.3 (MANE Select); coding-DNA position 455, C replaced by G.
Protein change: p.Ala152Gly; replaces alanine 152 with glycine.
Molecular consequence: missense variant.
Genome position (GRCh38, 1-based): chr2:47,375,263, C>G. VCF-style: chr2-47375263-C-G. GRCh37 (hg19) VCF-style: chr2-47602402-C-G.
Other names: short protein forms A152G.
Identifiers: ClinVar variation 1741477 (VCV001741477.3), dbSNP rs1326194152, ClinGen allele CA346723594.